The following is an entry in ClinVar:

NM_003801.4(GPAA1):c.809G>C (p.Gly270Ala)

Gene: GPAA1 (glycosylphosphatidylinositol anchor attachment 1; plus strand). Cytogenetic location: 8q24.3.
Variant type: single nucleotide variant.
Coding change: c.809G>C on transcript NM_003801.4 (MANE Select); coding-DNA position 809, G replaced by C.
Protein change: p.Gly270Ala; replaces glycine 270 with alanine.
Molecular consequence: missense variant.
Genome position (GRCh38, 1-based): chr8:144,084,326, G>C. VCF-style: chr8-144084326-G-C. GRCh37 (hg19) VCF-style: chr8-145139229-G-C.
Other names: short protein forms G270A.
Identifiers: ClinVar variation 2101121 (VCV002101121.4), dbSNP rs2537316096, ClinGen allele CA372600793.

ClinVar aggregate classification (germline): Uncertain significance (1 of 4 stars; one submission).

Submission:

Labcorp Genetics (formerly Invitae), Labcorp
Classification: Uncertain significance. Last evaluated: 2022-02-21. Review status: criteria provided, single submitter. Criteria: Invitae Variant Classification Sherloc (09022015). Collection method: clinical testing. Allele origin: germline.
Comment: This sequence change replaces glycine, which is neutral and non-polar, with alanine, which is neutral and non-polar, at codon 270 of the GPAA1 protein (p.Gly270Ala). This variant is not present in population databases (gnomAD no frequency). This variant has not been reported in the literature in individuals affected with GPAA1-related conditions. Algorithms developed to predict the effect of missense changes on protein structure and function are either unavailable or do not agree on the potential impact of this missense change (SIFT: "Tolerated"; PolyPhen-2: "Possibly Damaging"; Align-GVGD: "Class C0"). In summary, the available evidence is currently insufficient to determine the role of this variant in disease. Therefore, it has been classified as a Variant of Uncertain Significance.